The following is an entry in ClinVar:

ClinVar aggregate classification (germline): Pathogenic (1 of 4 stars; one submission).

Conditions:
Arrhythmogenic right ventricular dysplasia 9 (ARVD9). Also called: Arrhythmogenic Right Ventricular Dysplasia/Cardiomyopathy 9; ARRHYTHMOGENIC RIGHT VENTRICULAR DYSPLASIA, FAMILIAL, 9. Identifiers: MedGen C1836906, MONDO:0012180, OMIM 609040.

Submission:

Labcorp Genetics (formerly Invitae), Labcorp
Classification: Pathogenic for Arrhythmogenic right ventricular dysplasia 9. Last evaluated: 2024-12-25. Review status: criteria provided, single submitter. Criteria: Invitae Variant Classification Sherloc (09022015). Collection method: clinical testing. Allele origin: germline.
Comment: This sequence change creates a premature translational stop signal (p.Glu35*) in the PKP2 gene. It is expected to result in an absent or disrupted protein product. Loss-of-function variants in PKP2 are known to be pathogenic (PMID: 15489853, 17041889, 23911551). This variant is not present in population databases (gnomAD no frequency). This variant has not been reported in the literature in individuals affected with PKP2-related conditions. For these reasons, this variant has been classified as Pathogenic.

Literature cited by the submitters: PubMed 15489853; PubMed 17041889; PubMed 23911551.

NM_001005242.3(PKP2):c.103G>T (p.Glu35Ter)

Gene: PKP2 (plakophilin 2; minus strand). Cytogenetic location: 12p11.21.
Variant type: single nucleotide variant.
Coding change: c.103G>T on transcript NM_001005242.3 (MANE Select); coding-DNA position 103, G replaced by T.
Protein change: p.Glu35Ter; replaces glutamic acid 35 with a stop codon.
Molecular consequence: nonsense. On other transcripts: 5 prime UTR variant (4).
Genome position (GRCh38, 1-based): chr12:32,896,629, C>A on the plus strand (G>T on the coding strand, the complement: PKP2 is on the minus strand). VCF-style: chr12-32896629-C-A. GRCh37 (hg19) VCF-style: chr12-33049563-C-A.
Other names: c.103G>T, p.Glu35Ter (NM_001407155.1, NM_001407156.1, NM_001407157.1 and 2 more transcripts); c.-724G>T (NM_001407158.1, NM_001407162.1); c.-488G>T (NM_001407159.1, NM_001407160.1); short protein forms E35*.
Identifiers: ClinVar variation 3728065 (VCV003728065.2).